The following is an entry in ClinVar:

NM_001042492.3(NF1):c.5907_5910del (p.Arg1970fs)

Gene: NF1 (neurofibromin 1; plus strand). Cytogenetic location: 17q11.2.
Variant type: Deletion.
Coding change: c.5907_5910del on transcript NM_001042492.3 (MANE Select); coding-DNA positions 5907 to 5910, 4 bases deleted (AAGA; older notation c.5907_5910delAAGA).
Protein change: p.Arg1970fs; shifts the reading frame from arginine 1970.
Molecular consequence: frameshift variant.
Genome position (GRCh38, 1-based): chr17:31,334,932-31,334,935, AAGA deleted; deleting any 4 consecutive bases within chr17:31,334,931-31,334,935 gives the same sequence; the c. name uses the placement nearest the transcript's 3' end. VCF-style (leftmost placement, unchanged base first): chr17-31334930-CAAAG-C. GRCh37 (hg19) VCF-style: chr17-29661948-CAAAG-C.
Other names: c.5844_5847delAAGA, p.Arg1949Leufs (NM_000267.4); short protein forms R1949fs, R1970fs.
Identifiers: ClinVar variation 3340504 (VCV003340504.2).

ClinVar aggregate classification (germline): Pathogenic. Review status: criteria provided, multiple submitters, no conflicts (2 of 4 stars). 2 submissions from 2 submitters: Pathogenic (2). Last evaluated 2025-05-19.

Conditions:
Neurofibromatosis, type 1 (NF1). Also called: VON RECKLINGHAUSEN DISEASE; Peripheral type neurofibromatosis; Neurofibromatosis, type I; NEUROFIBROMATOSIS, TYPE I, SOMATIC. Identifiers: Orphanet 636, MedGen C0027831, MONDO:0018975, OMIM 162200. Disease mechanism: loss of function.
Juvenile myelomonocytic leukemia (JMML). Also called: LEUKEMIA, JUVENILE MYELOMONOCYTIC, SOMATIC. Identifiers: Orphanet 86834, MedGen C0349639, MONDO:0011908, OMIM 607785, HP:0012209.
Neurofibromatosis-Noonan syndrome (NFNS). Also called: NEUROFIBROMATOSIS WITH NOONAN PHENOTYPE. Identifiers: Orphanet 638, MedGen C2931482, MONDO:0011035, OMIM 601321. Disease mechanism: loss of function.
Café-au-lait macules with pulmonary stenosis (WTSN). Also called: PULMONIC STENOSIS WITH CAFE-AU-LAIT SPOTS. Identifiers: MedGen C0553586, MONDO:0008672, OMIM 193520.
Neurofibromatosis, familial spinal (FSNF). Identifiers: Orphanet 636, MedGen C1834235, MONDO:0008078, OMIM 162210. Disease mechanism: loss of function.

Submissions (2):

Labcorp Genetics (formerly Invitae), Labcorp
Classification: Pathogenic for Neurofibromatosis, type 1. Last evaluated: 2025-05-19. Review status: criteria provided, single submitter. Criteria: Invitae Variant Classification Sherloc (09022015). Collection method: clinical testing. Allele origin: germline.
Comment: This sequence change creates a premature translational stop signal (p.Arg1949Leufs*8) in the NF1 gene. It is expected to result in an absent or disrupted protein product. Loss-of-function variants in NF1 are known to be pathogenic (PMID: 10712197, 23913538). This variant is not present in population databases (gnomAD no frequency). This variant has not been reported in the literature in individuals affected with NF1-related conditions. ClinVar contains an entry for this variant (Variation ID: 3340504). For these reasons, this variant has been classified as Pathogenic.

Diagnostics Services (NGS), CSIR - Centre For Cellular And Molecular Biology
Classification: Pathogenic for Neurofibromatosis, type 1; Juvenile myelomonocytic leukemia; Neurofibromatosis-Noonan syndrome; Neurofibromatosis, familial spinal; Café-au-lait macules with pulmonary stenosis. Last evaluated: 2024-09-02. Review status: criteria provided, single submitter. Criteria: ACMG Guidelines, 2015. Collection method: clinical testing. Allele origin: unknown. Affected: yes. Observed: 1 variant allele, 1 heterozygote.
Comment: The c.5907_5910del variant is not present in publicly available population databases like 1000 Genomes, EVS, ExAC, gnomAD, Indian Exome Database or our in-house exome database. This variant has neither been previously observed in individuals with NF1-related conditions nor reported to the clinical databases like Human Genome Mutation Database (HGMD), ClinVar or OMIM, in any affected individuals. In-silico pathogenicity prediction programs like MutationTaster2021, CADD, varsome, Franklin etc predicted this variant to be likely deleterious. This variant causes frameshift at the 1970th amino acid position of the wild-type transcript which creates a premature translational stop signal at the altered transcript that may result in translation of truncated protein or cause nonsense mediated decay of the mRNA. A 2 bp deletion variant in this position (c.5907_5908del, p.Arg1970SerfsTer6) has been previously observed in affected individuals, published in literature several times and reported to the clinical databases as ‘pathogenic’ (Clinvar Accession: VCV000216865.14).

Literature cited by the submitters: PubMed 10712197 (cited by Labcorp Genetics (formerly Invitae), Labcorp); PubMed 23913538 (cited by Labcorp Genetics (formerly Invitae), Labcorp).